The following is an entry in ClinVar:

NM_004526.4(MCM2):c.894-4G>A

Gene: MCM2 (minichromosome maintenance complex component 2; plus strand). Cytogenetic location: 3q21.3.
Variant type: single nucleotide variant.
Coding change: c.894-4G>A on transcript NM_004526.4 (MANE Select); 4 bases into the intron before coding-DNA position 894, G replaced by A.
Molecular consequence: intron variant.
Genome position (GRCh38, 1-based): chr3:127,606,606, G>A. VCF-style: chr3-127606606-G-A. GRCh37 (hg19) VCF-style: chr3-127325449-G-A.
Other names: c.894-4G>A (NM_004526.3).
Identifiers: ClinVar variation 2888486 (VCV002888486.5), dbSNP rs751486459, ClinGen allele CA2595750.

ClinVar aggregate classification (germline): Likely benign. Review status: criteria provided, single submitter (1 of 4 stars). 2 submissions from 2 submitters: Likely benign (1). 1 of the submissions does not count toward it. Last evaluated 2024-02-05.

Conditions:
MCM2-related disorder. Also called: MCM2-related condition.

Allele frequency attached by ClinVar (database versions not stated): gnomAD exomes 0.00002; ExAC 0.00003; gnomAD 0.00006.
gnomAD v4.1: 42 of 1,613,272 alleles (0.0026%); highest among the groups gnomAD compares: African/African-American, 0.015%; no homozygotes.

Submissions (2):

Labcorp Genetics (formerly Invitae), Labcorp
Classification: Likely benign. Last evaluated: 2024-02-05. Review status: criteria provided, single submitter. Criteria: Invitae Variant Classification Sherloc (09022015). Collection method: clinical testing. Allele origin: germline.

PreventionGenetics, part of Exact Sciences
Classification: Likely benign for MCM2-related condition. Last evaluated: 2019-05-23. Review status: no assertion criteria provided. Collection method: clinical testing. Allele origin: germline. Not counted in ClinVar's aggregate classification.
Comment: This variant is classified as likely benign based on ACMG/AMP sequence variant interpretation guidelines (Richards et al. 2015 PMID: 25741868, with internal and published modifications).